The following is an entry in ClinVar:

ClinVar aggregate classification (germline): Uncertain significance. Review status: criteria provided, multiple submitters, no conflicts (2 of 4 stars). 4 submissions from 4 submitters: Uncertain significance (3). 1 of the submissions does not count toward it. Last evaluated 2024-12-12.

Conditions:
OTC-related disorder. Also called: OTC-related condition.
Ornithine carbamoyltransferase deficiency (OTCD). Also called: ORNITHINE TRANSCARBAMYLASE DEFICIENCY, HYPERAMMONEMIA DUE TO; ORNITHINE TRANSCARBAMYLASE DEFICIENCY; Ornithine Carbamoyltransferase Deficiency Disease; OTC DEFICIENCY. Identifiers: Orphanet 664, MedGen C0268542, MONDO:0010703, OMIM 311250.

Allele frequency attached by ClinVar (database versions not stated): gnomAD exomes 0.00006 and 0.00018; ESP Exome Variant Server 0.00009; ExAC 0.00010; TOPMed 0.00011; gnomAD 0.00012 and 0.00013.
gnomAD v4.1: 211 of 1,204,970 alleles (0.018%); highest among the groups gnomAD compares: Non-Finnish European, 0.023%; no homozygotes.

Submissions (4):

PreventionGenetics, part of Exact Sciences
Classification: Uncertain significance for OTC-related condition. Last evaluated: 2024-12-12. Review status: criteria provided, single submitter. Criteria: ACMG Guidelines, 2015. Collection method: clinical testing. Allele origin: germline.
Comment: The OTC c.83G>A variant is predicted to result in the amino acid substitution p.Gly28Glu. To our knowledge, this variant has not been reported in the literature. This variant is reported in 0.013% of alleles in individuals of European (Non-Finnish) descent in gnomAD, including two hemizygotes. At this time, the clinical significance of this variant is uncertain due to the absence of conclusive functional and genetic evidence.

Color Diagnostics, LLC DBA Color Health
Classification: Uncertain significance for Ornithine carbamoyltransferase deficiency. Last evaluated: 2023-12-11. Review status: criteria provided, single submitter. Criteria: ACMG Guidelines, 2015. Collection method: clinical testing. Allele origin: germline.
Comment: This missense variant replaces glycine with glutamic acid at codon 28 of the OTC protein. Computational prediction suggests that this variant may have deleterious impact on protein structure and function (internally defined REVEL score threshold >= 0.7, PMID: 27666373). To our knowledge, functional studies have not been reported for this variant. This variant has not been reported in individuals affected with ornithine carbamoyltransferase deficiency in the literature. This variant has been identified in 13/203813 chromosomes in the general population by the Genome Aggregation Database (gnomAD). The available evidence is insufficient to determine the role of this variant in disease conclusively. Therefore, this variant is classified as a Variant of Uncertain Significance.

Labcorp Genetics (formerly Invitae), Labcorp
Classification: Uncertain significance for Ornithine carbamoyltransferase deficiency. Last evaluated: 2022-10-24. Review status: criteria provided, single submitter. Criteria: Invitae Variant Classification Sherloc (09022015). Collection method: clinical testing. Allele origin: germline.
Comment: This sequence change replaces glycine, which is neutral and non-polar, with glutamic acid, which is acidic and polar, at codon 28 of the OTC protein (p.Gly28Glu). This variant is present in population databases (rs199858968, gnomAD 0.01%), including at least one homozygous and/or hemizygous individual. This variant has not been reported in the literature in individuals affected with OTC-related conditions. ClinVar contains an entry for this variant (Variation ID: 852531). Advanced modeling of protein sequence and biophysical properties (such as structural, functional, and spatial information, amino acid conservation, physicochemical variation, residue mobility, and thermodynamic stability) performed at Invitae indicates that this missense variant is expected to disrupt OTC protein function. In summary, the available evidence is currently insufficient to determine the role of this variant in disease. Therefore, it has been classified as a Variant of Uncertain Significance.

Natera, Inc.
Classification: Uncertain significance for Ornithine transcarbamylase deficiency. Last evaluated: 2020-09-16. Review status: no assertion criteria provided. Collection method: clinical testing. Allele origin: germline. Not counted in ClinVar's aggregate classification.

NM_000531.6(OTC):c.83G>A (p.Gly28Glu)

Gene: OTC (ornithine transcarbamylase; plus strand). Cytogenetic location: Xp11.4.
Variant type: single nucleotide variant.
Coding change: c.83G>A on transcript NM_000531.6 (MANE Select); coding-DNA position 83, G replaced by A.
Protein change: p.Gly28Glu; replaces glycine 28 with glutamic acid.
Molecular consequence: missense variant.
Genome position (GRCh38, 1-based): chrX:38,367,296, G>A. VCF-style: chrX-38367296-G-A. GRCh37 (hg19) VCF-style: chrX-38226549-G-A.
Other names: short protein forms G28E.
Identifiers: ClinVar variation 852531 (VCV000852531.6), dbSNP rs199858968, ClinGen allele CA10385785.